The following is an entry in ClinVar:

NM_013338.5(ALG5):c.464G>A (p.Arg155Gln)

Gene: ALG5 (ALG5 dolichyl-phosphate beta-glucosyltransferase; minus strand). Cytogenetic location: 13q13.3.
Variant type: single nucleotide variant.
Coding change: c.464G>A on transcript NM_013338.5 (MANE Select); coding-DNA position 464, G replaced by A.
Protein change: p.Arg155Gln; replaces arginine 155 with glutamine.
Molecular consequence: missense variant.
Genome position (GRCh38, 1-based): chr13:36,985,724, C>T on the plus strand (G>A on the coding strand, the complement: ALG5 is on the minus strand). VCF-style: chr13-36985724-C-T. GRCh37 (hg19) VCF-style: chr13-37559861-C-T.
Other names: c.374G>A, p.Arg125Gln (NM_001142364.1); short protein forms R125Q, R155Q.
Identifiers: ClinVar variation 3852259 (VCV003852259.2).
Genomic context (GRCh38, chr13:36,985,724, plus strand): 5'-TTCTCAACATCTGGAAACTTTGTGGCTCCATCAGCATCTGCCATAAGGATCTTTTCTCCT[C>T]GAGAACTGAATATACCCTGTATTTTAAAATTTCAAGTCAAAGAAAATTGGTTAAAACTCA-3'
Protein context (NP_037470.1, residues 145-165): GAIRMGIFSS[Arg155Gln]GEKILMADAD

ClinVar aggregate classification (germline): Conflicting classifications of pathogenicity. Review status: criteria provided, conflicting classifications (1 of 4 stars). 2 submissions from 2 submitters: Uncertain significance (1); Likely benign (1). Last evaluated 2025-04-09.

Conditions:
ALG5-related disorder. Also called: ALG5-related condition.

gnomAD v4.1: 165 of 1,612,606 alleles (0.01%); highest among the groups gnomAD compares: Middle Eastern, 0.083%; no homozygotes.

Submissions (2):

PreventionGenetics, part of Exact Sciences
Classification: Likely benign for ALG5-related condition. Last evaluated: 2025-04-09. Review status: criteria provided, single submitter. Criteria: ACMG Guidelines, 2015. Collection method: clinical testing. Allele origin: germline.
Comment: This variant is classified as likely benign based on ACMG/AMP sequence variant interpretation guidelines (Richards et al. 2015 PMID: 25741868, with internal and published modifications).

Ambry Genetics
Classification: Uncertain significance. Last evaluated: 2025-03-08. Review status: criteria provided, single submitter. Criteria: Ambry Variant Classification Scheme 2023. Collection method: clinical testing. Allele origin: germline.